The following is an entry in ClinVar:

ClinVar aggregate classification (germline): Benign (0 of 4 stars; one submission).

Conditions:
TNS1-related disorder. Also called: TNS1-related condition.

Allele frequency attached by ClinVar (database versions not stated): ExAC 0.00115; gnomAD 0.00332; TOPMed 0.00352; 1000 Genomes Project 30x 0.00468; ESP Exome Variant Server 0.00469; 1000 Genomes Project 0.00499.
gnomAD v4.1: 1,044 of 1,614,188 alleles (0.065%); highest among the groups gnomAD compares: African/African-American, 1.2%; 8 homozygotes.

Submission:

PreventionGenetics, part of Exact Sciences
Classification: Benign for TNS1-related condition. Last evaluated: 2019-02-18. Review status: no assertion criteria provided. Collection method: clinical testing. Allele origin: germline.
Comment: This variant is classified as benign based on ACMG/AMP sequence variant interpretation guidelines (Richards et al. 2015 PMID: 25741868, with internal and published modifications).

NM_001387777.1(TNS1):c.4551G>A (p.Ser1517=)

Gene: TNS1 (tensin 1; minus strand). Cytogenetic location: 2q35.
Variant type: single nucleotide variant.
Coding change: c.4551G>A on transcript NM_001387777.1 (MANE Select); coding-DNA position 4551, G replaced by A.
Protein change: p.Ser1517=; no amino-acid change (serine 1517 retained).
Molecular consequence: synonymous variant.
Genome position (GRCh38, 1-based): chr2:217,817,781, C>T on the plus strand (G>A on the coding strand, the complement: TNS1 is on the minus strand). VCF-style: chr2-217817781-C-T. GRCh37 (hg19) VCF-style: chr2-218682504-C-T.
Other names: c.4200G>A, p.Ser1400= (NM_001308022.2); c.4176G>A, p.Ser1392= (NM_001308023.2); c.4239G>A, p.Ser1413= (NM_022648.7).
Identifiers: ClinVar variation 3039794 (VCV003039794.2), dbSNP rs61746069, ClinGen allele CA2099592.